The following is an entry in ClinVar:

NM_020066.5(FMN2):c.3225C>T (p.Pro1075=)

Gene: FMN2 (formin 2; plus strand). Cytogenetic location: 1q43.
Variant type: single nucleotide variant.
Coding change: c.3225C>T on transcript NM_020066.5 (MANE Select); coding-DNA position 3225, C replaced by T.
Protein change: p.Pro1075=; no amino-acid change (proline 1075 retained).
Molecular consequence: synonymous variant. On other transcripts: intron variant (1).
Genome position (GRCh38, 1-based): chr1:240,208,037, C>T. VCF-style: chr1-240208037-C-T. GRCh37 (hg19) VCF-style: chr1-240371337-C-T.
Other names: c.3237C>T, p.Pro1079= (NM_001305424.2); c.1986+19775C>T (NM_001348094.2).
Identifiers: ClinVar variation 4281007 (VCV004281007.7).

ClinVar aggregate classification (germline): Likely benign (1 of 4 stars; one submission).

Submission:

CeGaT Center for Human Genetics Tuebingen
Classification: Likely benign. Last evaluated: 2026-07-01. Review status: criteria provided, single submitter. Criteria: CeGaT Center For Human Genetics Tuebingen Variant Classification Criteria Version 2. Collection method: clinical testing. Allele origin: germline. Affected: yes. Observed: 4 variant alleles.
Comment: FMN2: BP4, BP7